The following is an entry in ClinVar:

NM_017617.5(NOTCH1):c.1753G>A (p.Ala585Thr)

Gene: NOTCH1 (notch receptor 1; minus strand). Cytogenetic location: 9q34.3.
Variant type: single nucleotide variant.
Coding change: c.1753G>A on transcript NM_017617.5 (MANE Select); coding-DNA position 1753, G replaced by A.
Protein change: p.Ala585Thr; replaces alanine 585 with threonine.
Molecular consequence: missense variant.
Genome position (GRCh38, 1-based): chr9:136,515,633, C>T on the plus strand (G>A on the coding strand, the complement: NOTCH1 is on the minus strand). VCF-style: chr9-136515633-C-T. GRCh37 (hg19) VCF-style: chr9-139410085-C-T.
Other names: c.1753G>A, p.Ala585Thr (LRG_1122t1); short protein forms A585T.
Identifiers: ClinVar variation 449812 (VCV000449812.20), dbSNP rs775217381, ClinGen allele CA5341637.

ClinVar aggregate classification (germline): Conflicting classifications of pathogenicity. Review status: criteria provided, conflicting classifications (1 of 4 stars). 8 submissions from 7 submitters: Uncertain significance (7); Benign (1). Last evaluated 2026-08-01.

Conditions:
Aortic valve disease 1 (AOVD1). Identifiers: MedGen C3887892, MONDO:0024523, OMIM 109730.
Adams-Oliver syndrome 5 (AOS5). Identifiers: Orphanet 974, MedGen C4014970, MONDO:0014459, OMIM 616028.
Familial thoracic aortic aneurysm and aortic dissection (TAAD). Also called: Thoracic aortic aneurysms and dissections. Identifiers: Orphanet 91387, MedGen C4707243, MONDO:0019625.

Allele frequency attached by ClinVar (database versions not stated): gnomAD exomes 0.00004; TOPMed 0.00004.

Submissions (8):

CeGaT Center for Human Genetics Tuebingen
Classification: Uncertain significance. Last evaluated: 2026-08-01. Review status: criteria provided, single submitter. Criteria: CeGaT Center For Human Genetics Tuebingen Variant Classification Criteria Version 2. Collection method: clinical testing. Allele origin: germline. Affected: yes. Observed: 1 variant allele.

Labcorp Genetics (formerly Invitae), Labcorp
Classification: Benign for Adams-Oliver syndrome 5. Last evaluated: 2025-09-09. Review status: criteria provided, single submitter. Criteria: Invitae Variant Classification Sherloc (09022015). Collection method: clinical testing. Allele origin: germline.

Ambry Genetics
Classification: Uncertain significance for Familial thoracic aortic aneurysm and aortic dissection. Last evaluated: 2025-06-17. Review status: criteria provided, single submitter. Criteria: Ambry Variant Classification Scheme 2023. Collection method: clinical testing. Allele origin: germline.
Comment: The p.A585T variant (also known as c.1753G>A), located in coding exon 11 of the NOTCH1 gene, results from a G to A substitution at nucleotide position 1753. The alanine at codon 585 is replaced by threonine, an amino acid with similar properties. This amino acid position is highly conserved in available vertebrate species. In addition, the in silico prediction for this alteration is inconclusive. Since supporting evidence is limited at this time, the clinical significance of this alteration remains unclear.

GeneDx
Classification: Uncertain significance. Last evaluated: 2025-05-14. Review status: criteria provided, single submitter. Criteria: GeneDx Variant Classification Process June 2021. Collection method: clinical testing. Allele origin: germline. Affected: yes.
Comment: Has not been previously published as pathogenic or benign to our knowledge; In silico analysis suggests that this missense variant does not alter protein structure/function

Genome-Nilou Lab
Classification: Uncertain significance for Adams-Oliver syndrome 5. Last evaluated: 2022-03-15. Review status: criteria provided, single submitter. Criteria: ACMG Guidelines, 2015. Collection method: clinical testing. Allele origin: germline. Affected: no.

Genome-Nilou Lab
Classification: Uncertain significance for Aortic valve disease 1. Last evaluated: 2022-03-15. Review status: criteria provided, single submitter. Criteria: ACMG Guidelines, 2015. Collection method: clinical testing. Allele origin: germline. Affected: no.

Fulgent Genetics
Classification: Uncertain significance for Aortic valve disease 1; Adams-Oliver syndrome 5. Last evaluated: 2021-07-29. Review status: criteria provided, single submitter. Criteria: ACMG Guidelines, 2015. Collection method: clinical testing. Allele origin: unknown.

CHEO Genetics Diagnostic Laboratory, Children's Hospital of Eastern Ontario
Classification: Uncertain significance for Familial thoracic aortic aneurysm and aortic dissection. Last evaluated: 2020-06-09. Review status: criteria provided, single submitter. Criteria: ACMG Guidelines, 2015. Collection method: clinical testing. Allele origin: germline.